The following is an entry in ClinVar:

NM_015295.3(SMCHD1):c.5950G>T (p.Val1984Phe)

Gene: SMCHD1 (structural maintenance of chromosomes flexible hinge domain containing 1; plus strand). Cytogenetic location: 18p11.32.
Variant type: single nucleotide variant.
Coding change: c.5950G>T on transcript NM_015295.3 (MANE Select); coding-DNA position 5950, G replaced by T.
Protein change: p.Val1984Phe; replaces valine 1984 with phenylalanine.
Molecular consequence: missense variant.
Genome position (GRCh38, 1-based): chr18:2,796,478, G>T. VCF-style: chr18-2796478-G-T. GRCh37 (hg19) VCF-style: chr18-2796476-G-T.
Other names: short protein forms V1984F.
Identifiers: ClinVar variation 2140181 (VCV002140181.4), dbSNP rs1363642198, ClinGen allele CA401691723.
Genomic context (GRCh38, chr18:2,796,478, plus strand): 5'-ATACGTAAGTGTAATGACTCATTGCGTCATTCACCAAAGGTTGAGACGACAGATTGTCCA[G>T]TTCCTCCTAAAAGAATGAGACGAGAAGCTACAAGACAAAATAGGTGAGTTTGTTTGACCT-3'
Protein context (NP_056110.2, residues 1974-1994): SPKVETTDCP[Val1984Phe]PPKRMRREAT

ClinVar aggregate classification (germline): Uncertain significance (1 of 4 stars; one submission).

Conditions:
Facioscapulohumeral muscular dystrophy 2 (FSHD2). Also called: FACIOSCAPULOHUMERAL MUSCULAR DYSTROPHY 2, DIGENIC; FSHD2, DIGENIC; MUSCULAR DYSTROPHY, FACIOSCAPULOHUMERAL, TYPE 1B. Identifiers: Orphanet 269, MedGen C1834671, MONDO:0008031, OMIM 158901.

gnomAD v4.1: 3 of 1,604,704 alleles (0.00019%); highest among the groups gnomAD compares: Non-Finnish European, 0.00026%; no homozygotes.

Submission:

Labcorp Genetics (formerly Invitae), Labcorp
Classification: Uncertain significance for Facioscapulohumeral muscular dystrophy 2. Last evaluated: 2022-06-18. Review status: criteria provided, single submitter. Criteria: Invitae Variant Classification Sherloc (09022015). Collection method: clinical testing. Allele origin: germline.
Comment: In summary, the available evidence is currently insufficient to determine the role of this variant in disease. Therefore, it has been classified as a Variant of Uncertain Significance. Algorithms developed to predict the effect of missense changes on protein structure and function are either unavailable or do not agree on the potential impact of this missense change (SIFT: "Deleterious"; PolyPhen-2: "Benign"; Align-GVGD: "Class C0"). This variant has not been reported in the literature in individuals affected with SMCHD1-related conditions. The frequency data for this variant in the population databases is considered unreliable, as metrics indicate poor data quality at this position in the gnomAD database. This sequence change replaces valine, which is neutral and non-polar, with phenylalanine, which is neutral and non-polar, at codon 1984 of the SMCHD1 protein (p.Val1984Phe).